The following is an entry in ClinVar:

ClinVar aggregate classification (germline): Pathogenic (1 of 4 stars; one submission).

Conditions:
Neurofibromatosis, type 1 (NF1). Also called: VON RECKLINGHAUSEN DISEASE; Neurofibromatosis, type I; Peripheral type neurofibromatosis; NEUROFIBROMATOSIS, TYPE I, SOMATIC. Identifiers: Orphanet 636, MedGen C0027831, MONDO:0018975, OMIM 162200. Disease mechanism: loss of function.

Submission:

Labcorp Genetics (formerly Invitae), Labcorp
Classification: Pathogenic for Neurofibromatosis, type 1. Last evaluated: 2023-12-23. Review status: criteria provided, single submitter. Criteria: Invitae Variant Classification Sherloc (09022015). Collection method: clinical testing. Allele origin: unknown.
Comment: This variant is a gross deletion of the genomic region encompassing exon(s) 13 of the NF1 gene. This variant would be expected to be in-frame, preserving the integrity of the reading frame. A similar copy number variant has been observed in individual(s) with neurofibromatosis type 1 (PMID: 26189818). The region of the NF1 gene that includes exon(s) 13 has been determined to be clinically significant (PMID: 24413922, 26189818). Therefore, deletions that encompass that region are likely to be disease-causing. For these reasons, this variant has been classified as Pathogenic.

Literature cited by the submitters: PubMed 26189818; PubMed 24413922.

NC_000017.10:g.(?_29539914)_(29542278_?)del

Gene: NF1 (neurofibromin 1; plus strand). Cytogenetic location: 17q11.2.
Variant type: Deletion.
Identifiers: ClinVar variation 3242846 (VCV003242846.1).